The following is an entry in ClinVar:

ClinVar aggregate classification (germline): Uncertain significance. Review status: criteria provided, multiple submitters, no conflicts (2 of 4 stars). 3 submissions from 3 submitters: Uncertain significance (3). Last evaluated 2025-04-27.

Conditions:
Inborn genetic diseases. Identifiers: MedGen C0950123, MeSH D030342.

Allele frequency attached by ClinVar (database versions not stated): TOPMed below 0.00001; gnomAD 0.00001 and 0.00002.
gnomAD v4.1: 27 of 1,577,314 alleles (0.0017%); highest among the groups gnomAD compares: Middle Eastern, 0.021%; no homozygotes.

Submissions (3):

Labcorp Genetics (formerly Invitae), Labcorp
Classification: Uncertain significance. Last evaluated: 2025-04-27. Review status: criteria provided, single submitter. Criteria: Invitae Variant Classification Sherloc (09022015). Collection method: clinical testing. Allele origin: germline.
Comment: This sequence change replaces arginine, which is basic and polar, with cysteine, which is neutral and slightly polar, at codon 658 of the TCIRG1 protein (p.Arg658Cys). The frequency data for this variant in the population databases is considered unreliable, as metrics indicate poor data quality at this position in the gnomAD database. This variant has not been reported in the literature in individuals affected with TCIRG1-related conditions. ClinVar contains an entry for this variant (Variation ID: 546678). Invitae Evidence Modeling of protein sequence and biophysical properties (such as structural, functional, and spatial information, amino acid conservation, physicochemical variation, residue mobility, and thermodynamic stability) indicates that this missense variant is not expected to disrupt TCIRG1 protein function with a negative predictive value of 80%. In summary, the available evidence is currently insufficient to determine the role of this variant in disease. Therefore, it has been classified as a Variant of Uncertain Significance.

Ambry Genetics
Classification: Uncertain significance for Inborn genetic diseases. Last evaluated: 2024-01-03. Review status: criteria provided, single submitter. Criteria: Ambry Variant Classification Scheme 2023. Collection method: clinical testing. Allele origin: germline.

CeGaT Center for Human Genetics Tuebingen
Classification: Uncertain significance. Last evaluated: 2022-11-01. Review status: criteria provided, single submitter. Criteria: CeGaT Center For Human Genetics Tuebingen Variant Classification Criteria Version 2. Collection method: clinical testing. Allele origin: germline. Affected: yes. Observed: 2 variant alleles.
Comment: TCIRG1: PM2

NM_006019.4(TCIRG1):c.1972C>T (p.Arg658Cys)

Gene: TCIRG1 (T cell immune regulator 1, ATPase H+ transporting V0 subunit a3; plus strand). Cytogenetic location: 11q13.2.
Variant type: single nucleotide variant.
Coding change: c.1972C>T on transcript NM_006019.4 (MANE Select); coding-DNA position 1972, C replaced by T.
Protein change: p.Arg658Cys; replaces arginine 658 with cysteine.
Molecular consequence: missense variant.
Genome position (GRCh38, 1-based): chr11:68,049,747, C>T. VCF-style: chr11-68049747-C-T. GRCh37 (hg19) VCF-style: chr11-67817214-C-T.
Other names: c.1078C>T, p.Arg360Cys (NM_001351059.2); c.1324C>T, p.Arg442Cys (NM_006053.4); c.1972C>T (NM_006019.3); short protein forms R658C, R360C, R442C.
Identifiers: ClinVar variation 546678 (VCV000546678.47), dbSNP rs769231419, ClinGen allele CA6147330.
Genomic context (GRCh38, chr11:68,049,747, plus strand): 5'-GTCCTGGCCTTGGCCATGGTGCCCATCCTGCTGCTTGGCACACCCCTGCACCTGCTGCAC[C>T]GCCACCGCCGCCGCCTGCGGAGGAGGCCCGCTGACCGACAGGTGGGACCGGGGCCTAAGG-3'
Protein context (NP_006010.2, residues 648-668): LLGTPLHLLH[Arg658Cys]HRRRLRRRPA